The following is an entry in ClinVar:

ClinVar aggregate classification (germline): Uncertain significance (1 of 4 stars; one submission).

Allele frequency attached by ClinVar (database versions not stated): gnomAD 0.00001; gnomAD exomes 0.00001; TOPMed 0.00002.
gnomAD v4.1: 15 of 1,596,028 alleles (0.00094%); highest among the groups gnomAD compares: African/African-American, 0.0013%; no homozygotes.

Submission:

Greenwood Genetic Center Diagnostic Laboratories, Greenwood Genetic Center
Classification: Uncertain significance. Last evaluated: 2022-10-11. Review status: criteria provided, single submitter. Criteria: ACMG Guidelines, 2015. Collection method: clinical testing. Allele origin: germline. Affected: yes.
Comment: PM2

NM_006035.4(CDC42BPB):c.352-3C>T

Gene: CDC42BPB (CDC42 binding protein kinase beta; minus strand). Cytogenetic location: 14q32.32.
Variant type: single nucleotide variant.
Coding change: c.352-3C>T on transcript NM_006035.4 (MANE Select); 3 bases into the intron before coding-DNA position 352, C replaced by T.
Molecular consequence: intron variant.
Genome position (GRCh38, 1-based): chr14:103,004,026, G>A on the plus strand (C>T on the coding strand, the complement: CDC42BPB is on the minus strand). VCF-style: chr14-103004026-G-A. GRCh37 (hg19) VCF-style: chr14-103470363-G-A.
Identifiers: ClinVar variation 2429066 (VCV002429066.4), dbSNP rs890982754, ClinGen allele CA267136679.
Genomic context (GRCh38, chr14:103,004,026, plus strand): 5'-TGATCCACTGGCAGTCGCCGTTCACCAGCACATCGCGCTCCTCTCGGAAGCACGCGGTCT[G>A]CAAAGCAACGAGGGGTGTCAGTCTGTGTTCACTGGGAAGCAGGCCAGAGAGCGTACTGCC-3'